The following is an entry in ClinVar:

ClinVar aggregate classification (germline): Uncertain significance (1 of 4 stars; one submission).

Conditions:
Leukocyte adhesion deficiency 3. Also called: INTEGRIN ACTIVATION DEFICIENCY DISEASE; LEUKOCYTE ADHESION DEFICIENCY 1 VARIANT; Leukocyte adhesion deficiency, type III. Identifiers: Orphanet 2968, Orphanet 99844, MedGen C2748536, MONDO:0013016, OMIM 612840.

Submission:

Labcorp Genetics (formerly Invitae), Labcorp
Classification: Uncertain significance for Leukocyte adhesion deficiency 3. Last evaluated: 2024-11-16. Review status: criteria provided, single submitter. Criteria: Invitae Variant Classification Sherloc (09022015). Collection method: clinical testing. Allele origin: germline.
Comment: This sequence change replaces arginine, which is basic and polar, with leucine, which is neutral and non-polar, at codon 35 of the FERMT3 protein (p.Arg35Leu). This variant is present in population databases (no rsID available, gnomAD 0.02%). This variant has not been reported in the literature in individuals affected with FERMT3-related conditions. ClinVar contains an entry for this variant (Variation ID: 944796). An algorithm developed to predict the effect of missense changes on protein structure and function (PolyPhen-2) suggests that this variant is likely to be disruptive. In summary, the available evidence is currently insufficient to determine the role of this variant in disease. Therefore, it has been classified as a Variant of Uncertain Significance.

NM_031471.6(FERMT3):c.104_105delinsTA (p.Arg35Leu)

Gene: FERMT3 (FERM domain containing kindlin 3; plus strand). Cytogenetic location: 11q13.1.
Variant type: Indel.
Coding change: c.104_105delinsTA on transcript NM_031471.6 (MANE Select); coding-DNA positions 104 to 105, GG replaced by TA.
Protein change: p.Arg35Leu; replaces arginine 35 with leucine.
Molecular consequence: missense variant.
Genome position (GRCh38, 1-based): chr11:64,207,468-64,207,469, GG replaced by TA. VCF-style: chr11-64207468-GG-TA. GRCh37 (hg19) VCF-style: chr11-63974940-GG-TA.
Other names: c.104_105delinsTA, p.Arg35Leu (NM_001382361.1, NM_001382362.1, NM_001382448.1 and 1 more transcripts); short protein forms R35L.
Identifiers: ClinVar variation 944796 (VCV000944796.6), dbSNP rs1946337090, ClinGen allele CA1139661984.
Genomic context (GRCh38, chr11:64,207,468, plus strand): 5'-CATGGGAGCTGCGGGTGTTTGTGGGAGAGGAGGACCCAGAGGCCGAGTCGGTCACCCTGC[GG>TA]GTCACTGGGGAGTCGCACATCGGCGGGGTGCTCCTGAAGATTGTGGAGCAGATCAGTGAG-3'
Protein context (NP_113659.3, residues 25-45): EDPEAESVTL[Arg35Leu]VTGESHIGGV